The following is an entry in ClinVar:

NM_015189.3(EXOC6B):c.457A>T (p.Thr153Ser)

Gene: EXOC6B (exocyst complex component 6B; minus strand). Cytogenetic location: 2p13.2.
Variant type: single nucleotide variant.
Coding change: c.457A>T on transcript NM_015189.3 (MANE Select); coding-DNA position 457, A replaced by T.
Protein change: p.Thr153Ser; replaces threonine 153 with serine.
Molecular consequence: missense variant. On other transcripts: non-coding transcript variant (2).
Genome position (GRCh38, 1-based): chr2:72,731,014, T>A on the plus strand (A>T on the coding strand, the complement: EXOC6B is on the minus strand). VCF-style: chr2-72731014-T-A. GRCh37 (hg19) VCF-style: chr2-72958143-T-A.
Other names: c.457A>T, p.Thr153Ser (NM_001321729.2, NM_001321730.2, NM_001321731.2 and 1 more transcripts); c.118A>T, p.Thr40Ser (NM_001321734.2); short protein forms T40S, T153S.
Identifiers: ClinVar variation 2040480 (VCV002040480.4), dbSNP rs2468626930, ClinGen allele CA347432988.
Genomic context (GRCh38, chr2:72,731,014, plus strand): 5'-AAACAACAGAAATTTTAGATAGTAAAAACTGTTCGATTAAAAAAAAATCTTACCTTTTAG[T>A]TTTCATCTGGTCCCTCAGTTTGCTGTACATCTCTAGGACTTAAAAGAAAGAAAAGAATAC-3'
Protein context (NP_056004.1, residues 143-163): MYSKLRDQMK[Thr153Ser]KRHYPALKTL

ClinVar aggregate classification (germline): Uncertain significance (1 of 4 stars; one submission).

Submission:

Labcorp Genetics (formerly Invitae), Labcorp
Classification: Uncertain significance. Last evaluated: 2022-07-26. Review status: criteria provided, single submitter. Criteria: Invitae Variant Classification Sherloc (09022015). Collection method: clinical testing. Allele origin: germline.
Comment: Experimental studies and prediction algorithms are not available or were not evaluated, and the functional significance of this variant is currently unknown. In summary, the available evidence is currently insufficient to determine the role of this variant in disease. Therefore, it has been classified as a Variant of Uncertain Significance. This variant has not been reported in the literature in individuals affected with EXOC6B-related conditions. This variant is not present in population databases (gnomAD no frequency). This sequence change replaces threonine, which is neutral and polar, with serine, which is neutral and polar, at codon 153 of the EXOC6B protein (p.Thr153Ser).